The following is an entry in ClinVar:

ClinVar aggregate classification (germline): Pathogenic. Review status: criteria provided, multiple submitters, no conflicts (2 of 4 stars). 2 submissions from 2 submitters: Pathogenic (2). Last evaluated 2025-05-14.

Conditions:
Hereditary nonpolyposis colorectal neoplasms. Identifiers: MedGen C0009405, MeSH D003123.
Lynch syndrome 5 (LYNCH5). Also called: Colorectal cancer, hereditary nonpolyposis, type 5; Hereditary non-polyposis colorectal cancer, type 5. Identifiers: Orphanet 144, MedGen C1833477, MONDO:0013710, OMIM 614350. Disease mechanism: loss of function.

Submissions (2):

Labcorp Genetics (formerly Invitae), Labcorp
Classification: Pathogenic for Hereditary nonpolyposis colorectal neoplasms. Last evaluated: 2025-05-14. Review status: criteria provided, single submitter. Criteria: Invitae Variant Classification Sherloc (09022015). Collection method: clinical testing. Allele origin: germline.
Comment: This sequence change creates a premature translational stop signal (p.Lys883Asnfs*2) in the MSH6 gene. It is expected to result in an absent or disrupted protein product. Loss-of-function variants in MSH6 are known to be pathogenic (PMID: 18269114, 24362816). This variant is not present in population databases (gnomAD no frequency). This variant has not been reported in the literature in individuals affected with MSH6-related conditions. ClinVar contains an entry for this variant (Variation ID: 3773517). Algorithms developed to predict the effect of sequence changes on RNA splicing suggest that this variant may create or strengthen a splice site. For these reasons, this variant has been classified as Pathogenic.

Myriad Genetics, Inc.
Classification: Pathogenic for Lynch syndrome 5. Last evaluated: 2024-11-01. Review status: criteria provided, single submitter. Criteria: Myriad Autosomal Dominant, Autosomal Recessive and X-Linked Classification Criteria (2023). Collection method: clinical testing. Allele origin: unknown.
Comment: This variant is considered pathogenic. This variant creates a frameshift predicted to result in premature protein truncation.

Literature cited by the submitters: PubMed 18269114 (cited by Labcorp Genetics (formerly Invitae), Labcorp); PubMed 24362816 (cited by Labcorp Genetics (formerly Invitae), Labcorp).

NM_000179.3(MSH6):c.2645_2648dup (p.Lys883delinsAsnTer)

Gene: MSH6 (mutS homolog 6; plus strand). Cytogenetic location: 2p16.3.
Variant type: Duplication.
Coding change: c.2645_2648dup on transcript NM_000179.3 (MANE Select); coding-DNA positions 2645 to 2648, 4 bases duplicated (TTAA; older notation c.2645_2648dupTTAA).
Protein change: p.Lys883delinsAsnTer.
Molecular consequence: nonsense. On other transcripts: non-coding transcript variant (5), intron variant (3).
Genome position (GRCh38, 1-based): chr2:47,800,628-47,800,631, TTAA duplicated. VCF-style (leftmost placement, unchanged base first): chr2-47800627-T-TTTAA. GRCh37 (hg19) VCF-style: chr2-48027766-T-TTTAA.
Other names: c.2255_2258dup, p.Lys753delinsAsnTer (NM_001281492.2); c.1739_1742dup, p.Lys581delinsAsnTer (NM_001281493.2, NM_001281494.2, NM_001406811.1 and 6 more transcripts); c.2741_2744dup, p.Lys915delinsAsnTer (NM_001406795.1, NM_001406802.1); c.2645_2648dup, p.Lys883delinsAsnTer (NM_001406796.1, NM_001406798.1, NM_001406800.1 and 2 more transcripts); c.2348_2351dup, p.Lys784delinsAsnTer (NM_001406797.1, NM_001406801.1, NM_001406805.1 and 10 more transcripts); c.2120_2123dup, p.Lys708delinsAsnTer (NM_001406799.1, NM_001406806.1, NM_001406807.1); c.2567_2570dup, p.Lys857delinsAsnTer (NM_001406804.1); c.2651_2654dup, p.Lys885delinsAsnTer (NM_001406813.1); and 4 more.
Identifiers: ClinVar variation 3773517 (VCV003773517.2).